The following is an entry in ClinVar:

NM_001042492.3(NF1):c.3851del (p.Ile1284fs)

Gene: NF1 (neurofibromin 1; plus strand). Cytogenetic location: 17q11.2.
Variant type: Deletion.
Coding change: c.3851del on transcript NM_001042492.3 (MANE Select); coding-DNA position 3851, one base deleted (T; older notation c.3851delT).
Protein change: p.Ile1284fs; shifts the reading frame from isoleucine 1284.
Molecular consequence: frameshift variant.
Genome position (GRCh38, 1-based): chr17:31,235,753, T deleted. VCF-style (leftmost placement, unchanged base first): chr17-31235752-AT-A. GRCh37 (hg19) VCF-style: chr17-29562770-AT-A.
Other names: c.3851delT, p.Ile1284Lysfs (NM_000267.4); short protein forms I1284fs.
Identifiers: ClinVar variation 2684275 (VCV002684275.1), dbSNP rs2508260471, ClinGen allele CA2697559813.

ClinVar aggregate classification (germline): Likely pathogenic (1 of 4 stars; one submission).

Submission:

Athena Diagnostics
Classification: Likely pathogenic. Last evaluated: 2023-06-28. Review status: criteria provided, single submitter. Criteria: Athena Diagnostics Criteria. Collection method: clinical testing. Allele origin: unknown.
Comment: This variant is expected to result in the loss of a functional protein. This variant has not been reported in large, multi-ethnic general populations.